The following is an entry in ClinVar:

NM_152703.5(SAMD9L):c.2170T>G (p.Cys724Gly)

Gene: SAMD9L (sterile alpha motif domain containing 9 like; minus strand). Cytogenetic location: 7q21.2.
Variant type: single nucleotide variant.
Coding change: c.2170T>G on transcript NM_152703.5 (MANE Select); coding-DNA position 2170, T replaced by G.
Protein change: p.Cys724Gly; replaces cysteine 724 with glycine.
Molecular consequence: missense variant.
Genome position (GRCh38, 1-based): chr7:93,133,802, A>C on the plus strand (T>G on the coding strand, the complement: SAMD9L is on the minus strand). VCF-style: chr7-93133802-A-C. GRCh37 (hg19) VCF-style: chr7-92763115-A-C.
Other names: c.2170T>G (NM_152703.2); c.2170T>G, p.Cys724Gly (NM_001303496.3, NM_001303497.3, NM_001303498.3 and 5 more transcripts); short protein forms C724G.
Identifiers: ClinVar variation 1909934 (VCV001909934.6), dbSNP rs1371487753, ClinGen allele CA368192435.

ClinVar aggregate classification (germline): Uncertain significance. Review status: criteria provided, multiple submitters, no conflicts (2 of 4 stars). 2 submissions from 2 submitters: Uncertain significance (2). Last evaluated 2024-11-23.

Conditions:
Inborn genetic diseases. Identifiers: MedGen C0950123, MeSH D030342.

Allele frequency attached by ClinVar (database versions not stated): gnomAD exomes below 0.00001.

Submissions (2):

Ambry Genetics
Classification: Uncertain significance for Inborn genetic diseases. Last evaluated: 2024-11-23. Review status: criteria provided, single submitter. Criteria: Ambry Variant Classification Scheme 2023. Collection method: clinical testing. Allele origin: germline.
Comment: The p.C724G variant (also known as c.2170T>G), located in coding exon 1 of the SAMD9L gene, results from a T to G substitution at nucleotide position 2170. The cysteine at codon 724 is replaced by glycine, an amino acid with highly dissimilar properties. This amino acid position is conserved. In addition, this alteration is predicted to be tolerated by in silico analysis. Based on the available evidence, the clinical significance of this variant remains unclear.

Labcorp Genetics (formerly Invitae), Labcorp
Classification: Uncertain significance. Last evaluated: 2023-10-06. Review status: criteria provided, single submitter. Criteria: Invitae Variant Classification Sherloc (09022015). Collection method: clinical testing. Allele origin: germline.
Comment: This sequence change replaces cysteine, which is neutral and slightly polar, with glycine, which is neutral and non-polar, at codon 724 of the SAMD9L protein (p.Cys724Gly). This variant is present in population databases (no rsID available, gnomAD 0.007%). This variant has not been reported in the literature in individuals affected with SAMD9L-related conditions. ClinVar contains an entry for this variant (Variation ID: 1909934). Advanced modeling of protein sequence and biophysical properties (such as structural, functional, and spatial information, amino acid conservation, physicochemical variation, residue mobility, and thermodynamic stability) performed at Invitae indicates that this missense variant is not expected to disrupt SAMD9L protein function. In summary, the available evidence is currently insufficient to determine the role of this variant in disease. Therefore, it has been classified as a Variant of Uncertain Significance.